The following is an entry in ClinVar:

NM_001130987.2(DYSF):c.2628del (p.Phe876fs)

Gene: DYSF (dysferlin; plus strand). Cytogenetic location: 2p13.2.
Variant type: Deletion.
Coding change: c.2628del on transcript NM_001130987.2 (MANE Select); coding-DNA position 2628, one base deleted (T; older notation c.2628delT).
Protein change: p.Phe876fs; shifts the reading frame from phenylalanine 876.
Molecular consequence: frameshift variant.
Genome position (GRCh38, 1-based): chr2:71,568,013, T deleted; the last of 3 consecutive T bases (chr2:71,568,011-71,568,013); deleting any one gives the same sequence. VCF-style (leftmost placement, unchanged base first): chr2-71568010-GT-G. GRCh37 (hg19) VCF-style: chr2-71795140-GT-G.
Other names: c.2577del, p.Phe859fs (NM_001130455.2, NM_001130983.2); c.2532del, p.Phe844fs (NM_001130976.2, NM_001130977.2); c.2574del, p.Phe858fs (NM_001130978.2, NM_003494.4); c.2667del, p.Phe889fs (NM_001130979.2); c.2625del, p.Phe875fs (NM_001130980.2, NM_001130981.2); c.2670del, p.Phe890fs (NM_001130982.2); c.2535del, p.Phe845fs (NM_001130984.2, NM_001130986.2); c.2628del, p.Phe876fs (NM_001130985.2); short protein forms F858fs, F844fs, F859fs, F875fs, F876fs, F890fs, F845fs, F889fs.
Identifiers: ClinVar variation 2127680 (VCV002127680.5), dbSNP rs2545798028, ClinGen allele CA2580067773.

ClinVar aggregate classification (germline): Pathogenic/Likely pathogenic. Review status: criteria provided, multiple submitters, no conflicts (2 of 4 stars). 2 submissions from 2 submitters: Pathogenic (1); Likely pathogenic (1). Last evaluated 2025-08-18.

Conditions:
Neuromuscular disease caused by qualitative or quantitative defects of dysferlin. Also called: Dysferlinopathy; Qualitative or quantitative defects of dysferlin. Identifiers: Orphanet 207073, MedGen C2931687, MONDO:0016145.
Miyoshi muscular dystrophy 1 (MMD1). Identifiers: Orphanet 45448, MedGen C4551973, MONDO:0024545, OMIM 254130.

Submissions (2):

Labcorp Genetics (formerly Invitae), Labcorp
Classification: Pathogenic for Neuromuscular disease caused by qualitative or quantitative defects of dysferlin. Last evaluated: 2025-08-18. Review status: criteria provided, single submitter. Criteria: Invitae Variant Classification Sherloc (09022015). Collection method: clinical testing. Allele origin: germline.
Comment: This sequence change creates a premature translational stop signal (p.Phe858Leufs*90) in the DYSF gene. It is expected to result in an absent or disrupted protein product. Loss-of-function variants in DYSF are known to be pathogenic (PMID: 17698709, 20301480). This variant is not present in population databases (gnomAD no frequency). This variant has not been reported in the literature in individuals affected with DYSF-related conditions. ClinVar contains an entry for this variant (Variation ID: 2127680). For these reasons, this variant has been classified as Pathogenic.

Baylor Genetics
Classification: Likely pathogenic for Miyoshi muscular dystrophy 1. Last evaluated: 2024-02-08. Review status: criteria provided, single submitter. Criteria: ACMG Guidelines, 2015. Collection method: clinical testing. Allele origin: unknown.

Literature cited by the submitters: PubMed 17698709 (cited by Labcorp Genetics (formerly Invitae), Labcorp); PubMed 20301480 (cited by Labcorp Genetics (formerly Invitae), Labcorp).